The following is an entry in ClinVar:

ClinVar aggregate classification (germline): Pathogenic (1 of 4 stars; one submission).

Conditions:
Primary ciliary dyskinesia. Also called: Ciliary dyskinesia. Identifiers: Orphanet 244, MedGen C0008780, MONDO:0016575, HP:0012265.

Submission:

Labcorp Genetics (formerly Invitae), Labcorp
Classification: Pathogenic for Primary ciliary dyskinesia. Last evaluated: 2025-04-23. Review status: criteria provided, single submitter. Criteria: Invitae Variant Classification Sherloc (09022015). Collection method: clinical testing. Allele origin: germline.
Comment: This sequence change creates a premature translational stop signal (p.Gly919Glufs*159) in the RPGR (ORF15) gene. While this is not anticipated to result in nonsense mediated decay, it is expected to disrupt the last 234 amino acid(s) of the RPGR (ORF15) protein. This variant is not present in population databases (gnomAD no frequency). This variant has not been reported in the literature in individuals affected with RPGR (ORF15)-related conditions. This variant disrupts a region of the RPGR (ORF15) protein in which other variant(s) (p.Leu1130Lysfs*13) have been determined to be pathogenic (PMID: 22264887; internal data). This suggests that this is a clinically significant region of the protein, and that variants that disrupt it are likely to be disease-causing. For these reasons, this variant has been classified as Pathogenic.

Literature cited by the submitters: PubMed 22264887.

NM_001034853.2(RPGR):c.2756_2757del (p.Gly919fs)

Gene: RPGR (retinitis pigmentosa GTPase regulator; minus strand). Cytogenetic location: Xp11.4.
Variant type: Deletion.
Coding change: c.2756_2757del on transcript NM_001034853.2 (MANE Select); coding-DNA positions 2756 to 2757, 2 bases deleted (GG; older notation c.2756_2757delGG).
Protein change: p.Gly919fs; shifts the reading frame from glycine 919.
Molecular consequence: frameshift variant. On other transcripts: intron variant (8).
Genome position (GRCh38, 1-based): chrX:38,286,242-38,286,243, CC deleted on the plus strand (GG on the coding strand, the reverse complement: RPGR is on the minus strand); deleting any 2 consecutive bases within chrX:38,286,242-38,286,244 gives the same sequence; the c. name uses the placement nearest the transcript's 3' end. VCF-style (leftmost placement, unchanged base first): chrX-38286241-TCC-T. GRCh37 (hg19) VCF-style: chrX-38145494-TCC-T.
Other names: c.1569+4716_1569+4717del (NM_001367249.1, NM_001367250.1); c.1902+851_1902+852del (NM_001367245.1); c.1386+4716_1386+4717del (NM_001367251.1); c.1719+851_1719+852del (NM_001367246.1); c.1572+4716_1572+4717del (NM_001367247.1); c.1905+851_1905+852del (NM_000328.3); c.1602+4716_1602+4717del (NM_001367248.1); short protein forms G919fs.
Identifiers: ClinVar variation 4717751 (VCV004717751.1).